The following is an entry in ClinVar:

ClinVar aggregate classification (germline): Likely benign (1 of 4 stars; one submission).

Submission:

Women's Health and Genetics/Laboratory Corporation of America, LabCorp
Classification: Likely benign. Last evaluated: 2025-01-20. Review status: criteria provided, single submitter. Criteria: LabCorp Variant Classification Summary - May 2015. Collection method: clinical testing. Allele origin: germline.
Comment: Variant summary: KANSL1 c.864G>A alters a conserved nucleotide resulting in a synonymous change. Consensus agreement among computation tools predict no significant impact on normal splicing. However, these predictions have yet to be confirmed by functional studies. The variant was absent in 251440 control chromosomes. The available data on variant occurrences in the general population are insufficient to allow any conclusion about variant significance. To our knowledge, no occurrence of c.864G>A in individuals affected with Koolen-De Vries Syndrome and no experimental evidence demonstrating its impact on protein function have been reported. No submitters have cited clinical-significance assessments for this variant to ClinVar. Based on the evidence outlined above, the variant was classified as likely benign.

NM_015443.4(KANSL1):c.864G>A (p.Leu288=)

Gene: KANSL1 (KAT8 regulatory NSL complex subunit 1). Cytogenetic location: 17q21.31.
Variant type: single nucleotide variant.
Coding change: c.864G>A on transcript NM_015443.4 (MANE Select); coding-DNA position 864, G replaced by A.
Protein change: p.Leu288=; no amino-acid change (leucine 288 retained).
Molecular consequence: synonymous variant. On other transcripts: intron variant (4).
Genome position (GRCh38, 1-based): chr17:46,171,280, C>T on the plus strand (G>A on the coding strand, the complement: KANSL1 is on the minus strand). VCF-style: chr17-46171280-C-T. GRCh37 (hg19) VCF-style: chr17-44248646-C-T.
Other names: c.864G>A, p.Leu288= (NM_001193465.2, NM_001193466.2, NM_001379198.1 and 18 more transcripts); c.23+52391G>A (NM_001405885.1, NM_001405884.1, NM_001405883.1 and 1 more transcripts).
Identifiers: ClinVar variation 3769510 (VCV003769510.2).